The following is an entry in ClinVar:

NM_000179.3(MSH6):c.1653C>T (p.Gly551=)

Gene: MSH6 (mutS homolog 6; plus strand). Cytogenetic location: 2p16.3.
Variant type: single nucleotide variant.
Coding change: c.1653C>T on transcript NM_000179.3 (MANE Select); coding-DNA position 1653, C replaced by T.
Protein change: p.Gly551=; no amino-acid change (glycine 551 retained).
Molecular consequence: synonymous variant.
Genome position (GRCh38, 1-based): chr2:47,799,636, C>T. VCF-style: chr2-47799636-C-T. GRCh37 (hg19) VCF-style: chr2-48026775-C-T.
Other names: c.1263C>T, p.Gly421= (NM_001281492.2); c.747C>T, p.Gly249= (NM_001281493.2, NM_001281494.2).
Identifiers: ClinVar variation 1549126 (VCV001549126.11), dbSNP rs1669357980, ClinGen allele CA426121468.

ClinVar aggregate classification (germline): Benign/Likely benign. Review status: criteria provided, multiple submitters, no conflicts (2 of 4 stars). 3 submissions from 3 submitters: Benign (1); Likely benign (2). Last evaluated 2024-12-27.

Conditions:
Hereditary cancer-predisposing syndrome. Also called: Hereditary neoplastic syndrome; Tumor predisposition; Neoplastic Syndromes, Hereditary; Hereditary Cancer Syndrome. Identifiers: Orphanet 140162, MedGen C0027672, MeSH D009386, MONDO:0015356.
Hereditary nonpolyposis colorectal neoplasms. Identifiers: MedGen C0009405, MeSH D003123.
Lynch syndrome 5 (LYNCH5). Also called: Colorectal cancer, hereditary nonpolyposis, type 5; Hereditary non-polyposis colorectal cancer, type 5. Identifiers: Orphanet 144, MedGen C1833477, MONDO:0013710, OMIM 614350. Disease mechanism: loss of function.

gnomAD v4.1: 4 of 1,614,062 alleles (0.00025%); highest among the groups gnomAD compares: Middle Eastern, 0.016%; no homozygotes.

Submissions (3):

Myriad Genetics, Inc.
Classification: Benign for Lynch syndrome 5. Last evaluated: 2024-12-27. Review status: criteria provided, single submitter. Criteria: Myriad Autosomal Dominant, Autosomal Recessive and X-Linked Classification Criteria (2023). Collection method: clinical testing. Allele origin: unknown.
Comment: This variant is considered benign. This variant is a silent/synonymous amino acid change and it is not expected to impact splicing.

Labcorp Genetics (formerly Invitae), Labcorp
Classification: Likely benign for Hereditary nonpolyposis colorectal neoplasms. Last evaluated: 2024-03-26. Review status: criteria provided, single submitter. Criteria: Invitae Variant Classification Sherloc (09022015). Collection method: clinical testing. Allele origin: germline.

Ambry Genetics
Classification: Likely benign for Hereditary cancer-predisposing syndrome. Last evaluated: 2020-08-26. Review status: criteria provided, single submitter. Criteria: Ambry Variant Classification Scheme 2023. Collection method: clinical testing. Allele origin: germline.